The following is an entry in ClinVar:

ClinVar aggregate classification (germline): Uncertain significance (1 of 4 stars; one submission).

Conditions:
Developmental and epileptic encephalopathy. Identifiers: MedGen C5779964, MONDO:0100620.

Allele frequency attached by ClinVar (database versions not stated): ExAC 0.00001; gnomAD 0.00001; gnomAD exomes 0.00001; TOPMed 0.00001.
gnomAD v4.1: 8 of 1,613,698 alleles (0.0005%); highest among the groups gnomAD compares: Non-Finnish European, 0.00068%; no homozygotes.

Submission:

Labcorp Genetics (formerly Invitae), Labcorp
Classification: Uncertain significance for Early-infantile DEE. Last evaluated: 2021-08-19. Review status: criteria provided, single submitter. Criteria: Invitae Variant Classification Sherloc (09022015). Collection method: clinical testing. Allele origin: germline.
Comment: This sequence change falls in intron 6 of the ST3GAL3 gene. It does not directly change the encoded amino acid sequence of the ST3GAL3 protein. It affects a nucleotide within the consensus splice site of the intron. This variant is present in population databases (rs747970573, ExAC 0.001%). This variant has not been reported in the literature in individuals affected with ST3GAL3-related conditions. ClinVar contains an entry for this variant (Variation ID: 240643). Variants that disrupt the consensus splice site are a relatively common cause of aberrant splicing (PMID: 17576681, 9536098). Algorithms developed to predict the effect of sequence changes on RNA splicing suggest that this variant is not likely to affect RNA splicing. In summary, the available evidence is currently insufficient to determine the role of this variant in disease. Therefore, it has been classified as a Variant of Uncertain Significance.

Literature cited by the submitters: PubMed 17576681; PubMed 9536098.

NM_006279.5(ST3GAL3):c.397+3A>G

Gene: ST3GAL3 (ST3 beta-galactoside alpha-2,3-sialyltransferase 3; plus strand). Cytogenetic location: 1p34.1.
Variant type: single nucleotide variant.
Coding change: c.397+3A>G on transcript NM_006279.5 (MANE Select); 3 bases into the intron after coding-DNA position 397, A replaced by G.
Molecular consequence: intron variant.
Genome position (GRCh38, 1-based): chr1:43,894,480, A>G. VCF-style: chr1-43894480-A-G. GRCh37 (hg19) VCF-style: chr1-44360152-A-G.
Other names: c.604+3A>G (NM_174963.5); c.442+3A>G (NM_001350619.2, NM_174964.4, NM_174965.4); c.394+3A>G (NM_001270465.3, NM_001270463.3); c.559+3A>G (NM_174968.5, NM_001363573.2); c.118+3A>G (NM_001350621.2); c.397+3A>G (NM_001350620.2, NM_001270459.2, NM_174966.4 and 1 more transcripts); c.304+3A>G (NM_001270460.2); c.511+3A>G (NM_174971.5); and 3 more.
Identifiers: ClinVar variation 240643 (VCV000240643.5), dbSNP rs747970573, ClinGen allele CA814666.